The following is an entry in ClinVar:

NM_000257.4(MYH7):c.2473A>C (p.Lys825Gln)

Genes: MYH7 (myosin heavy chain 7; minus strand), LOC126861898 (BRD4-independent group 4 enhancer GRCh37_chr14:23893609-23894808; plus strand). Cytogenetic location: 14q11.2.
Variant type: single nucleotide variant.
Coding change: c.2473A>C on transcript NM_000257.4 (MANE Select); coding-DNA position 2473, A replaced by C.
Protein change: p.Lys825Gln; replaces lysine 825 with glutamine.
Molecular consequence: missense variant.
Genome position (GRCh38, 1-based): chr14:23,424,975, T>G on the plus strand (A>C on the coding strand, the complement: MYH7 is on the minus strand). VCF-style: chr14-23424975-T-G. GRCh37 (hg19) VCF-style: chr14-23894184-T-G.
Other names: p.K825Q:AAG>CAG; c.2473A>C (LRG_384t1); short protein forms K825Q.
Identifiers: ClinVar variation 181189 (VCV000181189.9), dbSNP rs730880743, ClinGen allele CA012422.

ClinVar aggregate classification (germline): Conflicting classifications of pathogenicity. Review status: criteria provided, conflicting classifications (1 of 4 stars). 3 submissions from 3 submitters: Likely pathogenic (1); Uncertain significance (2). Last evaluated 2023-03-23.

Conditions:
Cardiovascular phenotype. Identifiers: MedGen CN230736.
Hypertrophic cardiomyopathy. Also called: HYPERTROPHIC MYOCARDIOPATHY. Identifiers: Orphanet 217569, MedGen C0007194, MeSH D002312, MONDO:0005045, HP:0001639.

Submissions (3):

Labcorp Genetics (formerly Invitae), Labcorp
Classification: Uncertain significance for Hypertrophic cardiomyopathy. Last evaluated: 2023-03-23. Review status: criteria provided, single submitter. Criteria: Invitae Variant Classification Sherloc (09022015). Collection method: clinical testing. Allele origin: germline.
Comment: This sequence change replaces lysine, which is basic and polar, with glutamine, which is neutral and polar, at codon 825 of the MYH7 protein (p.Lys825Gln). This variant is not present in population databases (gnomAD no frequency). This variant has not been reported in the literature in individuals affected with MYH7-related conditions. ClinVar contains an entry for this variant (Variation ID: 181189). Advanced modeling of protein sequence and biophysical properties (such as structural, functional, and spatial information, amino acid conservation, physicochemical variation, residue mobility, and thermodynamic stability) performed at Invitae indicates that this missense variant is expected to disrupt MYH7 protein function. In summary, the available evidence is currently insufficient to determine the role of this variant in disease. Therefore, it has been classified as a Variant of Uncertain Significance.

Ambry Genetics
Classification: Uncertain significance for Cardiovascular phenotype. Last evaluated: 2021-05-22. Review status: criteria provided, single submitter. Criteria: Ambry Variant Classification Scheme 2023. Collection method: clinical testing. Allele origin: germline.
Comment: The p.K825Q variant (also known as c.2473A>C), located in coding exon 20 of the MYH7 gene, results from an A to C substitution at nucleotide position 2473. The lysine at codon 825 is replaced by glutamine, an amino acid with similar properties. This alteration is located in the myosin head domain, which contains a statistically significant clustering of pathogenic missense variants (Homburger JR et al. Proc Natl Acad Sci U S A, 2016 06;113:6701-6; Walsh R et al. Genet Med, 2017 02;19:192-203; Ambry internal data). This amino acid position is highly conserved in available vertebrate species. In addition, this alteration is predicted to be deleterious by in silico analysis. Since supporting evidence is limited at this time, the clinical significance of this alteration remains unclear.

GeneDx
Classification: Likely pathogenic. Last evaluated: 2012-03-19. Review status: criteria provided, single submitter. Criteria: GeneDx Variant Classification (06012015). Collection method: clinical testing. Allele origin: germline. Affected: yes.
Comment: The Lys825Gln mutation in the MYH7 gene has not been previously reported as a disease-causing mutation or as a benign polymorphism, to our knowledge. Lys825Gln results in a semi-conservative amino acid substitution of a positively charged Lysine with a neutral, polar Glutamine at a position that is conserved across species. In silico analysis predicts Lys825Gln is probably damaging to protein structure/function. Mutations in nearby codons (Met822Thr, Met822Val, Gly823Glu, Val824Ile, Trp827Cys) have been reported in association with cardiomyopathy, further supporting the functional importance of this region of the protein. The NHLBI ESP Exome Variant Server reports Lys825Gln was not observed in approximately 5,000 samples from individuals of European and African American backgrounds, indicating it is not a common benign variant in these populations. The variant is found in HCM panel(s).